The following is an entry in ClinVar:

ClinVar aggregate classification (germline): Pathogenic (1 of 4 stars; one submission).

Submission:

GeneDx
Classification: Pathogenic. Last evaluated: 2019-01-09. Review status: criteria provided, single submitter. Criteria: GeneDx Variant Classification (06012015). Collection method: clinical testing. Allele origin: germline. Affected: yes.
Comment: The W9X variant has not been published as a pathogenic variant, nor has it been reported as a benign variant to our knowledge. The variant is not observed in large population cohorts (Lek et al., 2016). The nonsense variant is predicted to cause loss of normal protein function either through protein truncation or nonsense-mediated mRNA decay. In summary, we interpret this variant to be pathogenic.

NM_001278116.2(L1CAM):c.26G>A (p.Trp9Ter)

Gene: L1CAM (L1 cell adhesion molecule; minus strand). Cytogenetic location: Xq28.
Variant type: single nucleotide variant.
Coding change: c.26G>A on transcript NM_001278116.2 (MANE Select); coding-DNA position 26, G replaced by A.
Protein change: p.Trp9Ter; replaces tryptophan 9 with a stop codon.
Molecular consequence: nonsense.
Genome position (GRCh38, 1-based): chrX:153,875,811, C>T on the plus strand (G>A on the coding strand, the complement: L1CAM is on the minus strand). VCF-style: chrX-153875811-C-T. GRCh37 (hg19) VCF-style: chrX-153141266-C-T.
Other names: c.26G>A, p.Trp9Ter (NM_001143963.2, NM_024003.3, NM_000425.5); short protein forms W9*.
Identifiers: ClinVar variation 546020 (VCV000546020.2), dbSNP rs1557094409, ClinGen allele CA415143117.